The following is an entry in ClinVar:

ClinVar aggregate classification (germline): Uncertain significance. Review status: criteria provided, single submitter (1 of 4 stars). 2 submissions from 2 submitters: Uncertain significance (1). 1 of the submissions does not count toward it. Last evaluated 2022-07-30.

Conditions:
Meckel-Gruber syndrome. Also called: DYSENCEPHALIA SPLANCHNOCYSTICA; GRUBER SYNDROME; Dysencephalia splachnocystica. Identifiers: Orphanet 564, MedGen C0265215, MONDO:0018921.
Joubert syndrome. Also called: CEREBELLOPARENCHYMAL DISORDER IV; JOUBERT-BOLTSHAUSER SYNDROME; Familial aplasia of the vermis. Identifiers: Orphanet 475, MedGen C5979921, MONDO:0018772.

gnomAD v4.1: 1 of 1,613,842 alleles (0.000062%); highest among the groups gnomAD compares: Non-Finnish European, 0.000085%; no homozygotes.

Submissions (2):

Labcorp Genetics (formerly Invitae), Labcorp
Classification: Uncertain significance for Joubert syndrome; Meckel-Gruber syndrome. Last evaluated: 2022-07-30. Review status: criteria provided, single submitter. Criteria: Invitae Variant Classification Sherloc (09022015). Collection method: clinical testing. Allele origin: germline.
Comment: This sequence change replaces arginine, which is basic and polar, with leucine, which is neutral and non-polar, at codon 744 of the RPGRIP1L protein (p.Arg744Leu). This variant is present in population databases (no rsID available, gnomAD 0.0009%). This variant has not been reported in the literature in individuals affected with RPGRIP1L-related conditions. Algorithms developed to predict the effect of missense changes on protein structure and function are either unavailable or do not agree on the potential impact of this missense change (SIFT: "Deleterious"; PolyPhen-2: "Possibly Damaging"; Align-GVGD: "Class C0"). In summary, the available evidence is currently insufficient to determine the role of this variant in disease. Therefore, it has been classified as a Variant of Uncertain Significance.

Natera, Inc.
Classification: Uncertain significance for Joubert syndrome. Last evaluated: 2025-05-29. Review status: no assertion criteria provided. Collection method: clinical testing. Allele origin: germline. Not counted in ClinVar's aggregate classification.

NM_015272.5(RPGRIP1L):c.2231G>T (p.Arg744Leu)

Gene: RPGRIP1L (RPGRIP1 like; minus strand). Cytogenetic location: 16q12.2.
Variant type: single nucleotide variant.
Coding change: c.2231G>T on transcript NM_015272.5 (MANE Select); coding-DNA position 2231, G replaced by T.
Protein change: p.Arg744Leu; replaces arginine 744 with leucine.
Molecular consequence: missense variant.
Genome position (GRCh38, 1-based): chr16:53,649,037, C>A on the plus strand (G>T on the coding strand, the complement: RPGRIP1L is on the minus strand). VCF-style: chr16-53649037-C-A. GRCh37 (hg19) VCF-style: chr16-53682949-C-A.
Other names: c.2231G>T, p.Arg744Leu (NM_001127897.4, NM_001308334.3, NM_001330538.2); c.2231G>T (NM_015272.4); short protein forms R744L.
Identifiers: ClinVar variation 1714327 (VCV001714327.4), dbSNP rs2302677, ClinGen allele CA395915591.
Genomic context (GRCh38, chr16:53,649,037, plus strand): 5'-TCTGGCCCCTTAAAATTTGATGTTATATACCCCAAAGCCTTTGCCCTTTCTCGATAAAGT[C>A]GAATTGCTTGATCCATGGGAACTCTTAATCGGAACCAGTATTCCACTGTGCCAAAATTTG-3'
Protein context (NP_056087.2, residues 734-754): RLRVPMDQAI[Arg744Leu]LYRERAKALG